The following is an entry in ClinVar:

NM_000434.4(NEU1):c.1040G>A (p.Arg347Gln)

Gene: NEU1 (neuraminidase 1; minus strand). Cytogenetic location: 6p21.33.
Variant type: single nucleotide variant.
Coding change: c.1040G>A on transcript NM_000434.4 (MANE Select); coding-DNA position 1040, G replaced by A.
Protein change: p.Arg347Gln; replaces arginine 347 with glutamine.
Molecular consequence: missense variant.
Genome position (GRCh38, 1-based): chr6:31,859,927, C>T on the plus strand (G>A on the coding strand, the complement: NEU1 is on the minus strand). VCF-style: chr6-31859927-C-T. GRCh37 (hg19) VCF-style: chr6-31827704-C-T.
Other names: short protein forms R347Q.
Identifiers: ClinVar variation 946980 (VCV000946980.10), dbSNP rs1394699316, ClinGen allele CA363486109.

ClinVar aggregate classification (germline): Pathogenic (1 of 4 stars; one submission).

Allele frequency attached by ClinVar (database versions not stated): TOPMed 0.00001; gnomAD 0.00001; gnomAD exomes 0.00001.
gnomAD v4.1: 13 of 1,612,892 alleles (0.00081%); highest among the groups gnomAD compares: East Asian, 0.0022%; no homozygotes.

Submission:

Labcorp Genetics (formerly Invitae), Labcorp
Classification: Pathogenic. Last evaluated: 2023-10-22. Review status: criteria provided, single submitter. Criteria: Invitae Variant Classification Sherloc (09022015). Collection method: clinical testing. Allele origin: germline.
Comment: This sequence change replaces arginine, which is basic and polar, with glutamine, which is neutral and polar, at codon 347 of the NEU1 protein (p.Arg347Gln). This variant is present in population databases (no rsID available, gnomAD 0.006%). This missense change has been observed in individual(s) with sialidosis or clinical features of sialidosis (PMID: 25600812; Invitae). In at least one individual the data is consistent with being in trans (on the opposite chromosome) from a pathogenic variant. It has also been observed to segregate with disease in related individuals. ClinVar contains an entry for this variant (Variation ID: 946980). Advanced modeling of protein sequence and biophysical properties (such as structural, functional, and spatial information, amino acid conservation, physicochemical variation, residue mobility, and thermodynamic stability) performed at Invitae indicates that this missense variant is not expected to disrupt NEU1 protein function. Experimental studies have shown that this missense change affects NEU1 function (PMID: 25600812). For these reasons, this variant has been classified as Pathogenic.

Literature cited by the submitters: PubMed 25600812.